The following is an entry in ClinVar:

NM_019892.6(INPP5E):c.560_561insGCTGCCCAT (p.Ser187delinsArgLeuProIle)

Gene: INPP5E (inositol polyphosphate-5-phosphatase E; minus strand). Cytogenetic location: 9q34.3.
Variant type: Insertion.
Coding change: c.560_561insGCTGCCCAT on transcript NM_019892.6 (MANE Select); coding-DNA positions 560 to 561, GCTGCCCAT inserted.
Protein change: p.Ser187delinsArgLeuProIle.
Molecular consequence: inframe indel.
Genome position: GRCh38 VCF-style: chr9-136438859-G-GATGGGCAGC. GRCh37 (hg19) VCF-style: chr9-139333311-G-GATGGGCAGC.
Other names: c.560_561insGCTGCCCAT (NM_019892.5); c.560_561insGCTGCCCAT, p.Ser187delinsArgLeuProIle (NM_001318502.2).
Identifiers: ClinVar variation 1127153 (VCV001127153.11), dbSNP rs769234632, ClinGen allele CA5337135.

ClinVar aggregate classification (germline): Likely benign. Review status: criteria provided, multiple submitters, no conflicts (2 of 4 stars). 3 submissions from 3 submitters: Likely benign (3). Last evaluated 2026-01-28.

Conditions:
INPP5E-related disorder. Also called: INPP5E-related condition.
Joubert syndrome. Also called: Familial aplasia of the vermis; JOUBERT-BOLTSHAUSER SYNDROME. Identifiers: Orphanet 475, MedGen C5979921, MONDO:0018772.

Allele frequency attached by ClinVar (database versions not stated): gnomAD 0.00001 and 0.00007; TOPMed 0.00002; gnomAD exomes 0.00015 and 0.00040; 1000 Genomes Project 30x 0.00047; ExAC 0.00095.

Submissions (3):

Labcorp Genetics (formerly Invitae), Labcorp
Classification: Likely benign for Joubert syndrome. Last evaluated: 2026-01-28. Review status: criteria provided, single submitter. Criteria: Invitae Variant Classification Sherloc (09022015). Collection method: clinical testing. Allele origin: germline.

PreventionGenetics, part of Exact Sciences
Classification: Likely benign for INPP5E-related condition. Last evaluated: 2025-04-04. Review status: criteria provided, single submitter. Criteria: ACMG Guidelines, 2015. Collection method: clinical testing. Allele origin: germline.
Comment: This variant is classified as likely benign based on ACMG/AMP sequence variant interpretation guidelines (Richards et al. 2015 PMID: 25741868, with internal and published modifications).

Blueprint Genetics
Classification: Likely benign. Last evaluated: 2024-10-28. Review status: criteria provided, single submitter. Criteria: ACMG Guidelines, 2015. Collection method: clinical testing. Allele origin: germline.